The following is an entry in ClinVar:

NM_001278669.2(NFATC1):c.1447G>A (p.Asp483Asn)

Gene: NFATC1 (nuclear factor of activated T cells 1; plus strand). Cytogenetic location: 18q23.
Variant type: single nucleotide variant.
Coding change: c.1447G>A on transcript NM_001278669.2 (MANE Select); coding-DNA position 1447, G replaced by A.
Protein change: p.Asp483Asn; replaces aspartic acid 483 with asparagine.
Molecular consequence: missense variant.
Genome position (GRCh38, 1-based): chr18:79,448,842, G>A. VCF-style: chr18-79448842-G-A. GRCh37 (hg19) VCF-style: chr18-77208842-G-A.
Other names: c.1447G>A, p.Asp483Asn (NM_001278670.2, NM_006162.5, NM_172390.3); c.1408G>A, p.Asp470Asn (NM_001278672.2, NM_001278675.2, NM_172387.3 and 1 more transcripts); c.31G>A, p.Asp11Asn (NM_001278673.2, NM_172388.3); c.1408G>A (NM_172387.1); short protein forms D470N, D11N, D483N.
Identifiers: ClinVar variation 1909824 (VCV001909824.6), dbSNP rs561603204, ClinGen allele CA9009207.

ClinVar aggregate classification (germline): Uncertain significance. Review status: criteria provided, multiple submitters, no conflicts (2 of 4 stars). 2 submissions from 2 submitters: Uncertain significance (2). Last evaluated 2025-01-02.

Allele frequency attached by ClinVar (database versions not stated): gnomAD exomes 0.00001; ExAC 0.00002; gnomAD 0.00005; TOPMed 0.00007; 1000 Genomes Project 30x 0.00016; 1000 Genomes Project 0.00020.
gnomAD v4.1: 27 of 1,613,754 alleles (0.0017%); highest among the groups gnomAD compares: Middle Eastern, 0.017%; no homozygotes.

Submissions (2):

Labcorp Genetics (formerly Invitae), Labcorp
Classification: Uncertain significance. Last evaluated: 2025-01-02. Review status: criteria provided, single submitter. Criteria: Invitae Variant Classification Sherloc (09022015). Collection method: clinical testing. Allele origin: germline.
Comment: This sequence change replaces aspartic acid, which is acidic and polar, with asparagine, which is neutral and polar, at codon 483 of the NFATC1 protein (p.Asp483Asn). This variant is present in population databases (rs561603204, gnomAD 0.008%). This variant has not been reported in the literature in individuals affected with NFATC1-related conditions. ClinVar contains an entry for this variant (Variation ID: 1909824). An algorithm developed to predict the effect of missense changes on protein structure and function (PolyPhen-2) suggests that this variant is likely to be disruptive. In summary, the available evidence is currently insufficient to determine the role of this variant in disease. Therefore, it has been classified as a Variant of Uncertain Significance.

Ambry Genetics
Classification: Uncertain significance. Last evaluated: 2024-02-21. Review status: criteria provided, single submitter. Criteria: Ambry Variant Classification Scheme 2023. Collection method: clinical testing. Allele origin: germline.